The following is an entry in ClinVar:

ClinVar aggregate classification (germline): Pathogenic (1 of 4 stars; one submission).

Conditions:
Drash syndrome (DDS). Also called: NEPHROPATHY, WILMS TUMOR, AND GENITAL ANOMALIES; WILMS TUMOR AND PSEUDO- OR TRUE HERMAPHRODITISM. Identifiers: Orphanet 220, MedGen C0950121, MONDO:0008682, OMIM 194080.
Wilms tumor 1 (WT1). Also called: Wilms tumor, somatic. Identifiers: Orphanet 654, MedGen CN033288, MONDO:0008679, OMIM 194070.
11p partial monosomy syndrome (WAGR). Also called: WAGR Complex; WAGR Spectrum Disorder; CHROMOSOME 11p13 DELETION SYNDROME; WAGR syndrome. Identifiers: Orphanet 893, MedGen C0206115, MONDO:0008681, OMIM 194072.
Frasier syndrome. Identifiers: Orphanet 347, MedGen C0950122, MeSH D052159, MONDO:0007635, OMIM 136680.

Submission:

Labcorp Genetics (formerly Invitae), Labcorp
Classification: Pathogenic for Wilms tumor 1; Drash syndrome; 11p partial monosomy syndrome; Frasier syndrome. Last evaluated: 2020-11-16. Review status: criteria provided, single submitter. Criteria: Invitae Variant Classification Sherloc (09022015). Collection method: clinical testing. Allele origin: germline.
Comment: For these reasons, this variant has been classified as Pathogenic. This variant has been observed in individual(s) with Wilms tumor (PMID: 15150775, Invitae). This variant is also known as 1021C>T (p.Q341X) in the literature. This variant is not present in population databases (ExAC no frequency). This sequence change creates a premature translational stop signal (p.Gln409*) in the WT1 gene. It is expected to result in an absent or disrupted protein product. Loss-of-function variants in WT1 are known to be pathogenic (PMID: 15150775).

Literature cited by the submitters: PubMed 15150775.

NM_024426.6(WT1):c.1240C>T (p.Gln414Ter)

Gene: WT1 (WT1 transcription factor; minus strand). Cytogenetic location: 11p13.
Variant type: single nucleotide variant.
Coding change: c.1240C>T on transcript NM_024426.6 (MANE Select); coding-DNA position 1240, C replaced by T.
Protein change: p.Gln414Ter; replaces glutamine 414 with a stop codon.
Molecular consequence: nonsense. On other transcripts: non-coding transcript variant (1).
Genome position (GRCh38, 1-based): chr11:32,396,281, G>A on the plus strand (C>T on the coding strand, the complement: WT1 is on the minus strand). VCF-style: chr11-32396281-G-A. GRCh37 (hg19) VCF-style: chr11-32417827-G-A.
Other names: c.1189C>T, p.Gln397Ter (NM_000378.6, NM_001407045.1, NM_001407048.1 and 1 more transcripts); c.589C>T, p.Gln197Ter (NM_001198551.2); c.538C>T, p.Gln180Ter (NM_001198552.2); c.52C>T, p.Gln18Ter (NM_001367854.1); c.1234C>T, p.Gln412Ter (NM_001407044.1); c.1240C>T, p.Gln414Ter (NM_001407046.1, NM_024424.5); c.1117C>T, p.Gln373Ter (NM_001407047.1); c.1066C>T, p.Gln356Ter (NM_001407050.1); and 2 more; short protein forms Q18*, Q414*, Q197*, Q397*, Q180*, Q160*, Q392*, Q409*.
Identifiers: ClinVar variation 1457778 (VCV001457778.9), dbSNP rs2132939500, ClinGen allele CA379959818.